The following is an entry in ClinVar:

NM_001035.3(RYR2):c.10502_10503delinsTT (p.Thr3501Ile)

Gene: RYR2 (ryanodine receptor 2; plus strand). Cytogenetic location: 1q43.
Variant type: Indel.
Coding change: c.10502_10503delinsTT on transcript NM_001035.3 (MANE Select); coding-DNA positions 10502 to 10503, CC replaced by TT.
Protein change: p.Thr3501Ile; replaces threonine 3501 with isoleucine.
Molecular consequence: missense variant.
Genome position (GRCh38, 1-based): chr1:237,718,469-237,718,470, CC replaced by TT. VCF-style: chr1-237718469-CC-TT. GRCh37 (hg19) VCF-style: chr1-237881769-CC-TT.
Other names: c.10502_10503delinsTT, p.Thr3501Ile (LRG_402t1); c.10502_10503delCCinsTT (NM_001035.2); c.10502_10503delinsTT (NM_001035.2); short protein forms T3501I.
Identifiers: ClinVar variation 566123 (VCV000566123.11), dbSNP rs1558281668, ClinGen allele CA891843186.

ClinVar aggregate classification (germline): Uncertain significance. Review status: criteria provided, multiple submitters, no conflicts (2 of 4 stars). 2 submissions from 2 submitters: Uncertain significance (2). Last evaluated 2026-10-02.

Conditions:
Catecholaminergic polymorphic ventricular tachycardia 1. Also called: VENTRICULAR TACHYCARDIA, CATECHOLAMINERGIC POLYMORPHIC, 1, WITH OR WITHOUT ATRIAL DYSFUNCTION AND/OR DILATED CARDIOMYOPATHY; VENTRICULAR TACHYCARDIA, STRESS-INDUCED POLYMORPHIC 1; RYR2-Related Catecholaminergic Polymorphic Ventricular Tachycardia. Identifiers: Orphanet 3286, MedGen C1631597, MONDO:0011484, OMIM 604772.

Submissions (2):

GeneDx
Classification: Uncertain significance. Last evaluated: 2026-10-02. Review status: criteria provided, single submitter. Criteria: GeneDx Variant Classification Process June 2021. Collection method: clinical testing. Allele origin: germline.
Comment: Not observed at significant frequency in large population cohorts (gnomAD); In silico analysis supports a deleterious effect on protein structure/function; Has not been previously published as pathogenic or benign to our knowledge; Not located in one of the three hot-spot regions of the RYR2 gene, where the majority of pathogenic missense variants occur (PMID: 19926015); This variant is associated with the following publications: (PMID: 19926015)

Labcorp Genetics (formerly Invitae), Labcorp
Classification: Uncertain significance for Catecholaminergic polymorphic ventricular tachycardia 1. Last evaluated: 2018-04-20. Review status: criteria provided, single submitter. Criteria: Invitae Variant Classification Sherloc (09022015). Collection method: clinical testing. Allele origin: germline.
Comment: This sequence change replaces threonine with isoleucine at codon 3501 of the RYR2 protein (p.Thr3501Ile). The threonine residue is highly conserved and there is a moderate physicochemical difference between threonine and isoleucine. This variant is not present in population databases (ExAC no frequency). This variant has not been reported in the literature in individuals with RYR2-related disease. Algorithms developed to predict the effect of missense changes on protein structure and function (SIFT, PolyPhen-2, Align-GVGD) all suggest that this variant is likely to be disruptive, but these predictions have not been confirmed by published functional studies and their clinical significance is uncertain. In summary, the available evidence is currently insufficient to determine the role of this variant in disease. Therefore, it has been classified as a Variant of Uncertain Significance.